The following is an entry in ClinVar:

NM_005826.5(HNRNPR):c.77A>C (p.His26Pro)

Gene: HNRNPR (heterogeneous nuclear ribonucleoprotein R; minus strand). Cytogenetic location: 1p36.12.
Variant type: single nucleotide variant.
Coding change: c.77A>C on transcript NM_005826.5 (MANE Select); coding-DNA position 77, A replaced by C.
Protein change: p.His26Pro; replaces histidine 26 with proline.
Molecular consequence: missense variant. On other transcripts: intron variant (4).
Genome position (GRCh38, 1-based): chr1:23,340,932, T>G on the plus strand (A>C on the coding strand, the complement: HNRNPR is on the minus strand). VCF-style: chr1-23340932-T-G. GRCh37 (hg19) VCF-style: chr1-23667425-T-G.
Other names: c.77A>C, p.His26Pro (NM_001102398.3, NM_001297620.2); c.-146-2324A>C (NM_001297622.2, NM_001297621.2, NM_001102397.3 and 1 more transcripts); short protein forms H26P.
Identifiers: ClinVar variation 3383873 (VCV003383873.1).

ClinVar aggregate classification (germline): Uncertain significance (1 of 4 stars; one submission).

Submission:

GeneDx
Classification: Uncertain significance. Last evaluated: 2024-05-30. Review status: criteria provided, single submitter. Criteria: GeneDx Variant Classification Process June 2021. Collection method: clinical testing. Allele origin: germline. Affected: yes.
Comment: Not observed at significant frequency in large population cohorts (gnomAD); In silico analysis supports that this missense variant has a deleterious effect on protein structure/function; Has not been previously published as pathogenic or benign to our knowledge